The following is an entry in ClinVar:

NC_000007.13:g.(?_2559496)_(2587132_?)dup

Genes: BRAT1 (BRCA1 associated ATM activator 1; minus strand), LFNG (LFNG O-fucosylpeptide 3-beta-N-acetylglucosaminyltransferase; plus strand). Cytogenetic location: 7p22.3.
Variant type: Duplication.
Identifiers: ClinVar variation 1514588 (VCV001514588.5).

ClinVar aggregate classification (germline): Uncertain significance. Review status: criteria provided, single submitter (1 of 4 stars). 2 submissions from 1 submitter: Uncertain significance (2). Last evaluated 2022-11-08.

Conditions:
Neonatal-onset encephalopathy with rigidity and seizures. Also called: Lethal neonatal spasticity-epileptic encephalopathy syndrome. Identifiers: Orphanet 435845, MedGen C3281029, MONDO:0013784, OMIM 614498.
Spondylocostal dysostosis 3, autosomal recessive (SCDO3). Also called: LFNG-Related Spondylocostal Dysostosis, Autosomal Recessive. Identifiers: Orphanet 2311, MedGen C1853296, MONDO:0012349, OMIM 609813.

Submissions (2):

Labcorp Genetics (formerly Invitae), Labcorp
Classification: Uncertain significance for Neonatal-onset encephalopathy with rigidity and seizures. Last evaluated: 2022-11-08. Review status: criteria provided, single submitter. Criteria: Invitae Variant Classification Sherloc (09022015). Collection method: clinical testing. Allele origin: germline.
Comment: In summary, the available evidence is currently insufficient to determine the role of this variant in disease. Therefore, it has been classified as a Variant of Uncertain Significance. This variant has not been reported in the literature in individuals affected with BRAT1-related conditions. This variant results in a copy number gain of the genomic region encompassing exon(s) 3-14 of the BRAT1 gene. This region includes the termination codon of the gene. This copy number gain extends beyond the assayed region for this gene and therefore may encompass additional genes. As the precise location of this event is unknown, it may be in tandem or it may be located elsewhere in the genome.

Labcorp Genetics (formerly Invitae), Labcorp
Classification: Uncertain significance for Spondylocostal dysostosis 3, autosomal recessive. Last evaluated: 2022-10-13. Review status: criteria provided, single submitter. Criteria: Invitae Variant Classification Sherloc (09022015). Collection method: clinical testing. Allele origin: germline.
Comment: A copy number gain of the genomic region encompassing the full coding sequence of the LFNG gene has been identified. The boundaries of this event are unknown as they extend beyond the assayed region for this gene and therefore may encompass additional genes. As the precise location of this event is unknown, it may be in tandem or it may be located elsewhere in the genome. This variant has not been reported in the literature in individuals affected with LFNG-related conditions. In summary, the available evidence is currently insufficient to determine the role of this variant in disease. Therefore, it has been classified as a Variant of Uncertain Significance.